The following is an entry in ClinVar:

ClinVar aggregate classification (germline): Likely benign. Review status: criteria provided, multiple submitters, no conflicts (2 of 4 stars). 2 submissions from 2 submitters: Likely benign (2). Last evaluated 2018-06-19.

Allele frequency attached by ClinVar (database versions not stated): gnomAD exomes 0.00110; 1000 Genomes Project 0.00679; 1000 Genomes Project 30x 0.00718; gnomAD 0.00837 and 0.00902; TOPMed 0.00953.
gnomAD v4.1: 2,740 of 1,406,424 alleles (0.19%); highest among the groups gnomAD compares: African/African-American, 2.9%; 29 homozygotes.

Submissions (2):

GeneDx
Classification: Likely benign. Last evaluated: 2018-06-19. Review status: criteria provided, single submitter. Criteria: GeneDx Variant Classification (06012015). Collection method: clinical testing. Allele origin: germline. Affected: yes.
Comment: This variant is considered likely benign or benign based on one or more of the following criteria: it is a conservative change, it occurs at a poorly conserved position in the protein, it is predicted to be benign by multiple in silico algorithms, and/or has population frequency not consistent with disease.

Breakthrough Genomics
Classification: Likely benign. Review status: criteria provided, single submitter. Criteria: ACMG Guidelines, 2015. Collection method: not provided. Allele origin: germline. Inheritance: Autosomal dominant inheritance. Affected: yes.

NM_001271.4(CHD2):c.1378-96T>G

Gene: CHD2 (chromodomain helicase DNA binding protein 2; plus strand). Cytogenetic location: 15q26.1.
Variant type: single nucleotide variant.
Coding change: c.1378-96T>G on transcript NM_001271.4 (MANE Select); 96 bases into the intron before coding-DNA position 1378, T replaced by G.
Molecular consequence: intron variant.
Genome position (GRCh38, 1-based): chr15:92,948,856, T>G. VCF-style: chr15-92948856-T-G. GRCh37 (hg19) VCF-style: chr15-93492086-T-G.
Other names: c.1378-96T>G (NM_001042572.3).
Identifiers: ClinVar variation 677369 (VCV000677369.2), dbSNP rs80212944, ClinGen allele CA14181310.